The following is an entry in ClinVar:

NM_007214.5(SEC63):c.1793A>G (p.Asp598Gly)

Gene: SEC63 (SEC63 protein translocation regulator; minus strand). Cytogenetic location: 6q21.
Variant type: single nucleotide variant.
Coding change: c.1793A>G on transcript NM_007214.5 (MANE Select); coding-DNA position 1793, A replaced by G.
Protein change: p.Asp598Gly; replaces aspartic acid 598 with glycine.
Molecular consequence: missense variant.
Genome position (GRCh38, 1-based): chr6:107,883,028, T>C on the plus strand (A>G on the coding strand, the complement: SEC63 is on the minus strand). VCF-style: chr6-107883028-T-C. GRCh37 (hg19) VCF-style: chr6-108204232-T-C.
Other names: c.1793A>G (NM_007214.4); short protein forms D598G.
Identifiers: ClinVar variation 3592888 (VCV003592888.3).

ClinVar aggregate classification (germline): Uncertain significance. Review status: criteria provided, multiple submitters, no conflicts (2 of 4 stars). 3 submissions from 3 submitters: Uncertain significance (3). Last evaluated 2026-01-22.

Conditions:
Polycystic liver disease 2 (PCLD2). Also called: Polycystic liver disease 2 with or without kidney cysts. Identifiers: Orphanet 2924, MedGen C4310769, MONDO:0014860, OMIM 617004.

gnomAD v4.1: 3 of 1,612,690 alleles (0.00019%); highest among the groups gnomAD compares: Non-Finnish European, 0.00025%; no homozygotes.

Submissions (3):

Labcorp Genetics (formerly Invitae), Labcorp
Classification: Uncertain significance. Last evaluated: 2026-01-22. Review status: criteria provided, single submitter. Criteria: Invitae Variant Classification Sherloc (09022015). Collection method: clinical testing. Allele origin: germline.
Comment: This sequence change replaces aspartic acid, which is acidic and polar, with glycine, which is neutral and non-polar, at codon 598 of the SEC63 protein (p.Asp598Gly). This variant is present in population databases (no rsID available, gnomAD 0.0009%). This variant has not been reported in the literature in individuals affected with SEC63-related conditions. ClinVar contains an entry for this variant (Variation ID: 3592888). An algorithm developed to predict the effect of missense changes on protein structure and function (PolyPhen-2) suggests that this variant is likely to be tolerated. In summary, the available evidence is currently insufficient to determine the role of this variant in disease. Therefore, it has been classified as a Variant of Uncertain Significance.

GeneDx
Classification: Uncertain significance. Last evaluated: 2025-04-23. Review status: criteria provided, single submitter. Criteria: GeneDx Variant Classification Process June 2021. Collection method: clinical testing. Allele origin: germline. Affected: yes.
Comment: Not observed at significant frequency in large population cohorts (gnomAD); In silico analysis indicates that this missense variant does not alter protein structure/function; Has not been previously published as pathogenic or benign to our knowledge

Fulgent Genetics
Classification: Uncertain significance for Polycystic liver disease 2. Last evaluated: 2024-03-06. Review status: criteria provided, single submitter. Criteria: ACMG Guidelines, 2015. Collection method: clinical testing. Allele origin: germline.